The following is an entry in ClinVar:

ClinVar aggregate classification (germline): Likely benign. Review status: criteria provided, multiple submitters, no conflicts (2 of 4 stars). 2 submissions from 2 submitters: Likely benign (2). Last evaluated 2024-06-09.

Conditions:
Familial thoracic aortic aneurysm and aortic dissection (TAAD). Also called: Thoracic aortic aneurysms and dissections. Identifiers: Orphanet 91387, MedGen C4707243, MONDO:0019625.

Submissions (2):

All of Us Research Program, National Institutes of Health
Classification: Likely benign for Familial thoracic aortic aneurysm and aortic dissection. Last evaluated: 2024-06-09. Review status: criteria provided, single submitter. Criteria: ACMG Guidelines, 2015. Collection method: clinical testing. Allele origin: germline. Inheritance: Autosomal dominant inheritance. Observed: 1 variant allele, 1 heterozygote.
Comment: This study involves interpretation of variants in research participants for the purpose of population health screening. Participant phenotype was not available at the time of variant classification. Additional details can be found in publication PMID: 35346344, PMCID: PMC8962531

Color Diagnostics, LLC DBA Color Health
Classification: Likely benign for Familial thoracic aortic aneurysm and aortic dissection. Last evaluated: 2021-03-16. Review status: criteria provided, single submitter. Criteria: ACMG Guidelines, 2015. Collection method: clinical testing. Allele origin: germline.

NM_002474.3(MYH11):c.3903G>A (p.Gly1301=)

Genes: NDE1 (nudE neurodevelopment protein 1; plus strand), MYH11 (myosin heavy chain 11; minus strand). Cytogenetic location: 16p13.11.
Variant type: single nucleotide variant.
Coding change: c.3903G>A on transcript NM_002474.3 (MANE Select); coding-DNA position 3903, G replaced by A.
Protein change: p.Gly1301=; no amino-acid change (glycine 1301 retained).
Molecular consequence: synonymous variant. On other transcripts: 3 prime UTR variant (2).
Genome position (GRCh38, 1-based): chr16:15,724,948, C>T on the plus strand (G>A on the coding strand, the complement: MYH11 is on the minus strand). VCF-style: chr16-15724948-C-T. GRCh37 (hg19) VCF-style: chr16-15818805-C-T.
Other names: c.3924G>A, p.Gly1308= (NM_001040113.2, NM_001040114.2); c.3903G>A, p.Gly1301= (NM_022844.3); c.*697C>T (NM_001143979.2, NM_017668.3).
Identifiers: ClinVar variation 1332224 (VCV001332224.3), dbSNP rs2151219916, ClinGen allele CA493760310.